The following is an entry in ClinVar:

ClinVar aggregate classification (germline): Uncertain significance (1 of 4 stars; one submission).

Submission:

Labcorp Genetics (formerly Invitae), Labcorp
Classification: Uncertain significance. Last evaluated: 2022-10-04. Review status: criteria provided, single submitter. Criteria: Invitae Variant Classification Sherloc (09022015). Collection method: clinical testing. Allele origin: germline.
Comment: In summary, the available evidence is currently insufficient to determine the role of this variant in disease. Therefore, it has been classified as a Variant of Uncertain Significance. Advanced modeling of protein sequence and biophysical properties (such as structural, functional, and spatial information, amino acid conservation, physicochemical variation, residue mobility, and thermodynamic stability) performed at Invitae indicates that this missense variant is expected to disrupt VPS13D protein function. This variant has not been reported in the literature in individuals affected with VPS13D-related conditions. This variant is not present in population databases (gnomAD no frequency). This sequence change replaces glutamine, which is neutral and polar, with histidine, which is basic and polar, at codon 3417 of the VPS13D protein (p.Gln3417His).

NM_015378.4(VPS13D):c.10251G>C (p.Gln3417His)

Gene: VPS13D (vacuolar protein sorting 13 homolog D; plus strand). Cytogenetic location: 1p36.22.
Variant type: single nucleotide variant.
Coding change: c.10251G>C on transcript NM_015378.4 (MANE Select); coding-DNA position 10251, G replaced by C.
Protein change: p.Gln3417His; replaces glutamine 3417 with histidine.
Molecular consequence: missense variant.
Genome position (GRCh38, 1-based): chr1:12,362,829, G>C. VCF-style: chr1-12362829-G-C. GRCh37 (hg19) VCF-style: chr1-12422885-G-C.
Other names: c.10176G>C, p.Gln3392His (NM_018156.4); short protein forms Q3417H, Q3392H.
Identifiers: ClinVar variation 2131636 (VCV002131636.4), dbSNP rs2524406276, ClinGen allele CA338497463.